The following is an entry in ClinVar:

ClinVar aggregate classification (germline): Uncertain significance (1 of 4 stars; one submission).

Conditions:
NIK deficiency. Also called: Primary immunodeficiency with multifaceted aberrant lymphoid immunity. Identifiers: Orphanet 447731, MedGen C5680065, MONDO:0018642.

Allele frequency attached by ClinVar (database versions not stated): gnomAD below 0.00001 and 0.00001; gnomAD exomes below 0.00001.
gnomAD v4.1: 6 of 1,613,570 alleles (0.00037%); highest among the groups gnomAD compares: South Asian, 0.0066%; no homozygotes.

Submission:

Labcorp Genetics (formerly Invitae), Labcorp
Classification: Uncertain significance for NIK deficiency. Last evaluated: 2019-11-09. Review status: criteria provided, single submitter. Criteria: Invitae Variant Classification Sherloc (09022015). Collection method: clinical testing. Allele origin: germline.
Comment: This sequence change replaces proline with leucine at codon 695 of the MAP3K14 protein (p.Pro695Leu). The proline residue is moderately conserved and there is a moderate physicochemical difference between proline and leucine. This variant is not present in population databases (ExAC no frequency). This variant has not been reported in the literature in individuals with MAP3K14-related conditions. Algorithms developed to predict the effect of missense changes on protein structure and function are either unavailable or do not agree on the potential impact of this missense change (SIFT: "Tolerated"; PolyPhen-2: "Not Available"; Align-GVGD: "Class C0"). In summary, the available evidence is currently insufficient to determine the role of this variant in disease. Therefore, it has been classified as a Variant of Uncertain Significance.

NM_003954.5(MAP3K14):c.2084C>T (p.Pro695Leu)

Genes: MAP3K14 (mitogen-activated protein kinase kinase kinase 14; minus strand), MAP3K14-AS1 (MAP3K14 antisense RNA 1; plus strand), LOC126862575 (CDK7 strongly-dependent group 2 enhancer GRCh37_chr17:43344006-43345205; plus strand). Cytogenetic location: 17q21.31.
Variant type: single nucleotide variant.
Coding change: c.2084C>T on transcript NM_003954.5 (MANE Select); coding-DNA position 2084, C replaced by T.
Protein change: p.Pro695Leu; replaces proline 695 with leucine.
Molecular consequence: missense variant.
Genome position (GRCh38, 1-based): chr17:45,267,648, G>A on the plus strand (C>T on the coding strand, the complement: MAP3K14 is on the minus strand). VCF-style: chr17-45267648-G-A. GRCh37 (hg19) VCF-style: chr17-43345015-G-A.
Other names: short protein forms P695L.
Identifiers: ClinVar variation 957985 (VCV000957985.1), dbSNP rs2044103255, ClinGen allele CA399876121.
Genomic context (GRCh38, chr17:45,267,648, plus strand): 5'-GGCTGGAGCTTAGGGGCTCTGCCTGTTGTCTCCTCAGCTGGCCGGGGCCCTGGGGCCCTT[G>A]GCGAAAGCTCTCTCGGCTGGGCATGGAGGGTCTGGTGGTAATTGGCTTGATTTGGCGGTG-3'
Protein context (NP_003945.2, residues 685-705): TLHAQPRELS[Pro695Leu]RAPGPRPAEE